The following is an entry in ClinVar:

NM_005751.5(AKAP9):c.3380A>T (p.His1127Leu)

Gene: AKAP9 (A-kinase anchoring protein 9; plus strand). Cytogenetic location: 7q21.2.
Variant type: single nucleotide variant.
Coding change: c.3380A>T on transcript NM_005751.5 (MANE Select); coding-DNA position 3380, A replaced by T.
Protein change: p.His1127Leu; replaces histidine 1127 with leucine.
Molecular consequence: missense variant.
Genome position (GRCh38, 1-based): chr7:92,012,490, A>T. VCF-style: chr7-92012490-A-T. GRCh37 (hg19) VCF-style: chr7-91641804-A-T.
Other names: c.3380A>T, p.His1127Leu (NM_147185.3); short protein forms H1127L.
Identifiers: ClinVar variation 1730819 (VCV001730819.3), dbSNP rs775317970, ClinGen allele CA4336294.

ClinVar aggregate classification (germline): Uncertain significance. Review status: criteria provided, multiple submitters, no conflicts (2 of 4 stars). 2 submissions from 2 submitters: Uncertain significance (2). Last evaluated 2025-09-11.

Conditions:
Cardiovascular phenotype. Identifiers: MedGen CN230736.
Long QT syndrome (LQTS). Identifiers: MedGen C0023976, MeSH D008133, MONDO:0002442. Disease mechanism: loss of function. Inheritance: Various modes of inheritance.

Allele frequency attached by ClinVar (database versions not stated): ExAC 0.00001.
gnomAD v4.1: 2 of 1,614,076 alleles (0.00012%); highest among the groups gnomAD compares: South Asian, 0.0011%; no homozygotes.

Submissions (2):

Labcorp Genetics (formerly Invitae), Labcorp
Classification: Uncertain significance for Long QT syndrome. Last evaluated: 2025-09-11. Review status: criteria provided, single submitter. Criteria: Invitae Variant Classification Sherloc (09022015). Collection method: clinical testing. Allele origin: germline.
Comment: This sequence change replaces histidine, which is basic and polar, with leucine, which is neutral and non-polar, at codon 1127 of the AKAP9 protein (p.His1127Leu). This variant is present in population databases (rs775317970, gnomAD 0.0009%). This variant has not been reported in the literature in individuals affected with AKAP9-related conditions. ClinVar contains an entry for this variant (Variation ID: 1730819). An algorithm developed to predict the effect of missense changes on protein structure and function (PolyPhen-2) suggests that this variant is likely to be disruptive. Algorithms developed to predict the effect of sequence changes on RNA splicing suggest that this variant may create or strengthen a splice site. In summary, the available evidence is currently insufficient to determine the role of this variant in disease. Therefore, it has been classified as a Variant of Uncertain Significance.

Ambry Genetics
Classification: Uncertain significance for Cardiovascular phenotype. Last evaluated: 2021-08-10. Review status: criteria provided, single submitter. Criteria: Ambry Variant Classification Scheme 2023. Collection method: clinical testing. Allele origin: germline.
Comment: The p.H1127L variant (also known as c.3380A>T), located in coding exon 9 of the AKAP9 gene, results from an A to T substitution at nucleotide position 3380. The histidine at codon 1127 is replaced by leucine, an amino acid with similar properties. This amino acid position is conserved. In addition, this alteration is predicted to be tolerated by in silico analysis. Since supporting evidence is limited at this time, the clinical significance of this alteration remains unclear.